The following is an entry in ClinVar:

NM_001080508.3(TBX18):c.1475T>G (p.Met492Arg)

Gene: TBX18 (T-box transcription factor 18; minus strand). Cytogenetic location: 6q14.3.
Variant type: single nucleotide variant.
Coding change: c.1475T>G on transcript NM_001080508.3 (MANE Select); coding-DNA position 1475, T replaced by G.
Protein change: p.Met492Arg; replaces methionine 492 with arginine.
Molecular consequence: missense variant.
Genome position (GRCh38, 1-based): chr6:84,737,034, A>C on the plus strand (T>G on the coding strand, the complement: TBX18 is on the minus strand). VCF-style: chr6-84737034-A-C. GRCh37 (hg19) VCF-style: chr6-85446752-A-C.
Other names: short protein forms M492R.
Identifiers: ClinVar variation 4694820 (VCV004694820.1).

ClinVar aggregate classification (germline): Uncertain significance (1 of 4 stars; one submission).

gnomAD v4.1: 3 of 1,614,184 alleles (0.00019%); highest among the groups gnomAD compares: Non-Finnish European, 0.00017%; no homozygotes.

Submission:

Labcorp Genetics (formerly Invitae), Labcorp
Classification: Uncertain significance. Last evaluated: 2025-05-23. Review status: criteria provided, single submitter. Criteria: Invitae Variant Classification Sherloc (09022015). Collection method: clinical testing. Allele origin: germline.
Comment: This sequence change replaces methionine, which is neutral and non-polar, with arginine, which is basic and polar, at codon 492 of the TBX18 protein (p.Met492Arg). This variant is present in population databases (no rsID available, gnomAD 0.004%). This variant has not been reported in the literature in individuals affected with TBX18-related conditions. An algorithm developed to predict the effect of missense changes on protein structure and function (PolyPhen-2) suggests that this variant is likely to be disruptive. In summary, the available evidence is currently insufficient to determine the role of this variant in disease. Therefore, it has been classified as a Variant of Uncertain Significance.